The following is an entry in ClinVar:

ClinVar aggregate classification (germline): Likely benign (1 of 4 stars; one submission).

Allele frequency attached by ClinVar (database versions not stated): 1000 Genomes Project 0.00040; 1000 Genomes Project 30x 0.00078; gnomAD 0.00234; TOPMed 0.00271; ESP Exome Variant Server 0.00272; gnomAD exomes 0.00328; ExAC 0.00469.
gnomAD v4.1: 5,142 of 1,604,852 alleles (0.32%); highest among the groups gnomAD compares: Middle Eastern, 0.88%; 17 homozygotes.

Submission:

CeGaT Center for Human Genetics Tuebingen
Classification: Likely benign. Last evaluated: 2022-10-01. Review status: criteria provided, single submitter. Criteria: CeGaT Center For Human Genetics Tuebingen Variant Classification Criteria Version 2. Collection method: clinical testing. Allele origin: germline. Affected: yes. Observed: 1 variant allele.
Comment: PTPN13: BP4, BP7

NM_080683.3(PTPN13):c.21G>A (p.Glu7=)

Gene: PTPN13 (protein tyrosine phosphatase non-receptor type 13; plus strand). Cytogenetic location: 4q21.3.
Variant type: single nucleotide variant.
Coding change: c.21G>A on transcript NM_080683.3 (MANE Select); coding-DNA position 21, G replaced by A.
Protein change: p.Glu7=; no amino-acid change (glutamic acid 7 retained).
Molecular consequence: synonymous variant.
Genome position (GRCh38, 1-based): chr4:86,635,277, G>A. VCF-style: chr4-86635277-G-A. GRCh37 (hg19) VCF-style: chr4-87556430-G-A.
Other names: c.21G>A, p.Glu7= (NM_006264.3, NM_080684.3, NM_080685.3).
Identifiers: ClinVar variation 2654887 (VCV002654887.24), dbSNP rs10025433, ClinGen allele CA2995323.